The following is an entry in ClinVar:

ClinVar aggregate classification (germline): Uncertain significance (1 of 4 stars; one submission).

Conditions:
Hereditary cancer-predisposing syndrome. Also called: Neoplastic Syndromes, Hereditary; Tumor predisposition; Hereditary neoplastic syndrome; Hereditary Cancer Syndrome. Identifiers: Orphanet 140162, MedGen C0027672, MeSH D009386, MONDO:0015356.

Submission:

Ambry Genetics
Classification: Uncertain significance for Hereditary cancer-predisposing syndrome. Last evaluated: 2026-07-02. Review status: criteria provided, single submitter. Criteria: Ambry Variant Classification Scheme 2023. Collection method: clinical testing. Allele origin: germline.
Comment: The p.S193C variant (also known as c.578C>G), located in coding exon 4 of the STK11 gene, results from a C to G substitution at nucleotide position 578. The serine at codon 193 is replaced by cysteine, an amino acid with dissimilar properties. This amino acid position is conserved. In addition, this alteration is predicted to be deleterious by in silico analysis. Based on the available evidence, the clinical significance of this variant remains unclear.

NM_000455.5(STK11):c.578C>G (p.Ser193Cys)

Gene: STK11 (serine/threonine kinase 11; plus strand). Cytogenetic location: 19p13.3.
Variant type: single nucleotide variant.
Coding change: c.578C>G on transcript NM_000455.5 (MANE Select); coding-DNA position 578, C replaced by G.
Protein change: p.Ser193Cys; replaces serine 193 with cysteine.
Molecular consequence: missense variant. On other transcripts: non-coding transcript variant (1).
Genome position (GRCh38, 1-based): chr19:1,220,486, C>G. VCF-style: chr19-1220486-C-G. GRCh37 (hg19) VCF-style: chr19-1220485-C-G.
Other names: c.578C>G, p.Ser193Cys (NM_001407255.1); short protein forms S193C.
Identifiers: ClinVar variation 5030314 (VCV005030314.1).